The following is an entry in ClinVar:

NM_024675.4(PALB2):c.2699C>T (p.Ala900Val)

Gene: PALB2 (partner and localizer of BRCA2; minus strand). Cytogenetic location: 16p12.2.
Variant type: single nucleotide variant.
Coding change: c.2699C>T on transcript NM_024675.4 (MANE Select); coding-DNA position 2699, C replaced by T.
Protein change: p.Ala900Val; replaces alanine 900 with valine.
Molecular consequence: missense variant.
Genome position (GRCh38, 1-based): chr16:23,626,285, G>A on the plus strand (C>T on the coding strand, the complement: PALB2 is on the minus strand). VCF-style: chr16-23626285-G-A. GRCh37 (hg19) VCF-style: chr16-23637606-G-A.
Other names: p.A900V:GCT>GTT; short protein forms A900V.
Identifiers: ClinVar variation 182769 (VCV000182769.23), dbSNP rs730881890, ClinGen allele CA299734.

ClinVar aggregate classification (germline): Conflicting classifications of pathogenicity. Review status: criteria provided, conflicting classifications (1 of 4 stars). 7 submissions from 7 submitters: Uncertain significance (6); Likely benign (1). Last evaluated 2026-01-18.

Conditions:
Pancreatic cancer, susceptibility to, 3. Identifiers: Orphanet 1333, MedGen C3150547, MONDO:0013236, OMIM 613348.
Fanconi anemia complementation group N. Also called: PALB2-Related Fanconi Anemia. Identifiers: Orphanet 84, MedGen C1835817, MONDO:0012565, OMIM 610832. Disease mechanism: loss of function.
Breast-ovarian cancer, familial, susceptibility to, 5 (BROVCA5). Identifiers: MedGen C5830615, MONDO:0957530, OMIM 620442.
Familial cancer of breast. Also called: BREAST CANCER, FAMILIAL; hereditary breast carcinoma; Hereditary breast cancer. Identifiers: Orphanet 227535, MedGen C0346153, MONDO:0016419, OMIM 114480. Disease mechanism: loss of function.
Hereditary cancer-predisposing syndrome. Also called: Tumor predisposition; Hereditary Cancer Syndrome; Hereditary neoplastic syndrome; Neoplastic Syndromes, Hereditary. Identifiers: Orphanet 140162, MedGen C0027672, MeSH D009386, MONDO:0015356.

Allele frequency attached by ClinVar (database versions not stated): gnomAD exomes below 0.00001 and 0.00003; TOPMed below 0.00001; gnomAD 0.00001.
gnomAD v4.1: 16 of 1,614,054 alleles (0.00099%); highest among the groups gnomAD compares: South Asian, 0.015%; no homozygotes.

Submissions (7):

Labcorp Genetics (formerly Invitae), Labcorp
Classification: Uncertain significance for Familial cancer of breast. Last evaluated: 2026-01-18. Review status: criteria provided, single submitter. Criteria: Invitae Variant Classification Sherloc (09022015). Collection method: clinical testing. Allele origin: germline.
Comment: This sequence change replaces alanine, which is neutral and non-polar, with valine, which is neutral and non-polar, at codon 900 of the PALB2 protein (p.Ala900Val). This variant is present in population databases (rs730881890, gnomAD 0.006%). This missense change has been observed in individual(s) with breast cancer (PMID: 26489409). ClinVar contains an entry for this variant (Variation ID: 182769). Invitae Evidence Modeling of protein sequence and biophysical properties (such as structural, functional, and spatial information, amino acid conservation, physicochemical variation, residue mobility, and thermodynamic stability) indicates that this missense variant is not expected to disrupt PALB2 protein function with a negative predictive value of 80%. In summary, the available evidence is currently insufficient to determine the role of this variant in disease. Therefore, it has been classified as a Variant of Uncertain Significance.

Ambry Genetics
Classification: Likely benign for Hereditary cancer-predisposing syndrome. Last evaluated: 2024-03-21. Review status: criteria provided, single submitter. Criteria: Ambry Variant Classification Scheme 2023. Collection method: clinical testing. Allele origin: germline.

Baylor Genetics
Classification: Uncertain significance for Familial cancer of breast. Last evaluated: 2024-01-26. Review status: criteria provided, single submitter. Criteria: ACMG Guidelines, 2015. Collection method: clinical testing. Allele origin: unknown.

GeneDx
Classification: Uncertain significance. Last evaluated: 2022-11-25. Review status: criteria provided, single submitter. Criteria: GeneDx Variant Classification Process June 2021. Collection method: clinical testing. Allele origin: germline. Affected: yes.
Comment: Not observed at significant frequency in large population cohorts (gnomAD); In silico analysis supports that this missense variant does not alter protein structure/function; This variant is associated with the following publications: (PMID: 24485656, 19609323, 20871615, 26489409)

Fulgent Genetics
Classification: Uncertain significance for Familial cancer of breast; Fanconi anemia complementation group N; Pancreatic cancer, susceptibility to, 3. Last evaluated: 2021-07-21. Review status: criteria provided, single submitter. Criteria: ACMG Guidelines, 2015. Collection method: clinical testing. Allele origin: unknown.

Color Diagnostics, LLC DBA Color Health
Classification: Uncertain significance for Hereditary cancer-predisposing syndrome. Last evaluated: 2021-05-21. Review status: criteria provided, single submitter. Criteria: ACMG Guidelines, 2015. Collection method: clinical testing. Allele origin: germline.
Comment: This missense variant replaces alanine with valine at codon 900 of the PALB2 protein. Computational prediction suggests that this variant may not impact protein structure and function (internally defined REVEL score threshold <= 0.5, PMID: 27666373). To our knowledge, functional studies have not been reported for this variant. This variant has been detected in an individual affected with breast cancer (PMID: 26489409). This variant has been identified in 1/251492 chromosomes in the general population by the Genome Aggregation Database (gnomAD). The available evidence is insufficient to determine the role of this variant in disease conclusively. Therefore, this variant is classified as a Variant of Uncertain Significance.

Department of Pathology and Laboratory Medicine, Sinai Health System
Classification: Uncertain significance for Fanconi anemia complementation group N; Pancreatic cancer, susceptibility to, 3; Breast-ovarian cancer, familial, susceptibility to, 5. Last evaluated: 2020-05-07. Review status: criteria provided, single submitter. Criteria: ACMG Guidelines, 2015. Collection method: clinical testing. Allele origin: germline.

Literature cited by the submitters: PubMed 26489409 (cited by Labcorp Genetics (formerly Invitae), Labcorp and Department of Pathology and Laboratory Medicine, Sinai Health System).